The following is an entry in ClinVar:

NM_005068.3(SIM1):c.1178T>G (p.Phe393Cys)

Genes: SIM1 (SIM bHLH transcription factor 1; minus strand), SIM1-AS1 (SIM1 antisense RNA 1; plus strand). Cytogenetic location: 6q16.3.
Variant type: single nucleotide variant.
Coding change: c.1178T>G on transcript NM_005068.3 (MANE Select); coding-DNA position 1178, T replaced by G.
Protein change: p.Phe393Cys; replaces phenylalanine 393 with cysteine.
Molecular consequence: missense variant. On other transcripts: non-coding transcript variant (1).
Genome position (GRCh38, 1-based): chr6:100,393,879, A>C on the plus strand (T>G on the coding strand, the complement: SIM1 is on the minus strand). VCF-style: chr6-100393879-A-C. GRCh37 (hg19) VCF-style: chr6-100841755-A-C.
Other names: c.1178T>G, p.Phe393Cys (NM_001374769.1); short protein forms F393C.
Identifiers: ClinVar variation 2636696 (VCV002636696.4), dbSNP rs775112789, ClinGen allele CA144530517.

ClinVar aggregate classification (germline): Uncertain significance. Review status: criteria provided, multiple submitters, no conflicts (2 of 4 stars). 2 submissions from 2 submitters: Uncertain significance (2). Last evaluated 2026-05-11.

Conditions:
SIM1-related disorder. Also called: SIM1-related condition; SIM1-related disorders.
Inborn genetic diseases. Identifiers: MedGen C0950123, MeSH D030342.

Allele frequency attached by ClinVar (database versions not stated): gnomAD 0.00001; TOPMed 0.00005.
gnomAD v4.1: 5 of 1,555,840 alleles (0.00032%); highest among the groups gnomAD compares: Admixed American, 0.0038%; no homozygotes.

Submissions (2):

PreventionGenetics, part of Exact Sciences
Classification: Uncertain significance for SIM1-related condition. Last evaluated: 2026-05-11. Review status: criteria provided, single submitter. Criteria: ACMG Guidelines, 2015. Collection method: clinical testing. Allele origin: germline.
Comment: The SIM1 c.1178T>G variant is predicted to result in the amino acid substitution p.Phe393Cys. To our knowledge, this variant has not been reported in the literature or in a large population database, indicating this variant is rare. At this time, the clinical significance of this variant is uncertain due to the absence of conclusive functional and genetic evidence.

Ambry Genetics
Classification: Uncertain significance for Inborn genetic diseases. Last evaluated: 2024-06-26. Review status: criteria provided, single submitter. Criteria: Ambry Variant Classification Scheme 2023. Collection method: clinical testing. Allele origin: germline.